The following is an entry in ClinVar:

NM_015602.4(TOR1AIP1):c.1711G>T (p.Val571Leu)

Gene: TOR1AIP1 (torsin 1A interacting protein 1; plus strand). Cytogenetic location: 1q25.2.
Variant type: single nucleotide variant.
Coding change: c.1711G>T on transcript NM_015602.4 (MANE Select); coding-DNA position 1711, G replaced by T.
Protein change: p.Val571Leu; replaces valine 571 with leucine.
Molecular consequence: missense variant.
Genome position (GRCh38, 1-based): chr1:179,918,198, G>T. VCF-style: chr1-179918198-G-T. GRCh37 (hg19) VCF-style: chr1-179887333-G-T.
Other names: c.1714G>T, p.Val572Leu (NM_001267578.2); short protein forms V571L, V572L.
Identifiers: ClinVar variation 1052093 (VCV001052093.9), dbSNP rs908965605, ClinGen allele CA33689019.

ClinVar aggregate classification (germline): Uncertain significance (1 of 4 stars; one submission).

Conditions:
Autosomal recessive limb-girdle muscular dystrophy type 2Y (MRRSDC). Also called: Muscular dystrophy, limb-girdle, type 2y; Muscular dystrophy, autosomal recessive, with rigid spine and distal joint contractures. Identifiers: Orphanet 424261, MedGen C4511482, MONDO:0014900, OMIM 617072.

Allele frequency attached by ClinVar (database versions not stated): gnomAD exomes below 0.00001 and 0.00001; gnomAD 0.00001; TOPMed 0.00001.
gnomAD v4.1: 6 of 1,607,200 alleles (0.00037%); highest among the groups gnomAD compares: Non-Finnish European, 0.00051%; no homozygotes.

Submission:

Labcorp Genetics (formerly Invitae), Labcorp
Classification: Uncertain significance for Autosomal recessive limb-girdle muscular dystrophy type 2Y. Last evaluated: 2020-08-20. Review status: criteria provided, single submitter. Criteria: Invitae Variant Classification Sherloc (09022015). Collection method: clinical testing. Allele origin: germline.
Comment: Algorithms developed to predict the effect of missense changes on protein structure and function are either unavailable or do not agree on the potential impact of this missense change (SIFT: "Deleterious"; PolyPhen-2: "Possibly Damaging"; Align-GVGD: "Class C0"). This sequence change replaces valine with leucine at codon 572 of the TOR1AIP1 protein (p.Val572Leu). The valine residue is highly conserved and there is a small physicochemical difference between valine and leucine. This variant is not present in population databases (ExAC no frequency). This variant has not been reported in the literature in individuals with TOR1AIP1-related conditions. In summary, the available evidence is currently insufficient to determine the role of this variant in disease. Therefore, it has been classified as a Variant of Uncertain Significance.